The following is an entry in ClinVar:

NM_001130009.3(GEN1):c.1082T>C (p.Leu361Pro)

Gene: GEN1 (GEN1 structure-specific endonuclease; plus strand). Cytogenetic location: 2p24.2.
Variant type: single nucleotide variant.
Coding change: c.1082T>C on transcript NM_001130009.3 (MANE Select); coding-DNA position 1082, T replaced by C.
Protein change: p.Leu361Pro; replaces leucine 361 with proline.
Molecular consequence: missense variant.
Genome position (GRCh38, 1-based): chr2:17,774,281, T>C. VCF-style: chr2-17774281-T-C. GRCh37 (hg19) VCF-style: chr2-17955548-T-C.
Other names: c.1082T>C, p.Leu361Pro (NM_182625.5); short protein forms L361P.
Identifiers: ClinVar variation 3678965 (VCV003678965.2).
Genomic context (GRCh38, chr2:17,774,281, plus strand): 5'-TTGTCTCCAAGAGATAACAAAATCTTGTTTTATTTTTATTATATTTATAGAGATTTACTC[T>C]TGAAAAAATGGAGTGGCCCAATCACTATGCATGTGAGAAATTGCTGGTACTTTTGACCCA-3'
Protein context (NP_001123481.3, residues 351-371): PDLLLFQRFT[Leu361Pro]EKMEWPNHYA

ClinVar aggregate classification (germline): Uncertain significance (1 of 4 stars; one submission).

Submission:

Labcorp Genetics (formerly Invitae), Labcorp
Classification: Uncertain significance. Last evaluated: 2024-07-03. Review status: criteria provided, single submitter. Criteria: Invitae Variant Classification Sherloc (09022015). Collection method: clinical testing. Allele origin: germline.
Comment: This sequence change replaces leucine, which is neutral and non-polar, with proline, which is neutral and non-polar, at codon 361 of the GEN1 protein (p.Leu361Pro). This variant is not present in population databases (gnomAD no frequency). This variant has not been reported in the literature in individuals affected with GEN1-related conditions. An algorithm developed to predict the effect of missense changes on protein structure and function (PolyPhen-2) suggests that this variant is likely to be disruptive. In summary, the available evidence is currently insufficient to determine the role of this variant in disease. Therefore, it has been classified as a Variant of Uncertain Significance.